The following is an entry in ClinVar:

NM_181712.5(KANK4):c.418T>G (p.Leu140Val)

Gene: KANK4 (KN motif and ankyrin repeat domains 4; minus strand). Cytogenetic location: 1p31.3.
Variant type: single nucleotide variant.
Coding change: c.418T>G on transcript NM_181712.5 (MANE Select); coding-DNA position 418, T replaced by G.
Protein change: p.Leu140Val; replaces leucine 140 with valine.
Molecular consequence: missense variant. On other transcripts: intron variant (1).
Genome position (GRCh38, 1-based): chr1:62,274,686, A>C on the plus strand (T>G on the coding strand, the complement: KANK4 is on the minus strand). VCF-style: chr1-62274686-A-C. GRCh37 (hg19) VCF-style: chr1-62740358-A-C.
Other names: c.17-3097T>G (NM_001320269.2); short protein forms L140V.
Identifiers: ClinVar variation 4711765 (VCV004711765.1).

ClinVar aggregate classification (germline): Uncertain significance (1 of 4 stars; one submission).

gnomAD v4.1: 1 of 1,614,154 alleles (0.000062%); highest among the groups gnomAD compares: Non-Finnish European, 0.000085%; no homozygotes.

Submission:

Labcorp Genetics (formerly Invitae), Labcorp
Classification: Uncertain significance. Last evaluated: 2025-03-25. Review status: criteria provided, single submitter. Criteria: Invitae Variant Classification Sherloc (09022015). Collection method: clinical testing. Allele origin: germline.
Comment: This sequence change replaces leucine, which is neutral and non-polar, with valine, which is neutral and non-polar, at codon 140 of the KANK4 protein (p.Leu140Val). This variant is not present in population databases (gnomAD no frequency). This variant has not been reported in the literature in individuals affected with KANK4-related conditions. An algorithm developed to predict the effect of missense changes on protein structure and function outputs the following: PolyPhen-2: "Benign". The valine amino acid residue is found in multiple mammalian species, which suggests that this missense change does not adversely affect protein function. In summary, the available evidence is currently insufficient to determine the role of this variant in disease. Therefore, it has been classified as a Variant of Uncertain Significance.